The following is an entry in ClinVar:

ClinVar aggregate classification (germline): Conflicting classifications of pathogenicity. Review status: criteria provided, conflicting classifications (1 of 4 stars). 4 submissions from 4 submitters: Uncertain significance (1); Likely benign (3). Last evaluated 2025-12-03.

Conditions:
DSPP-related disorder. Also called: DSPP-related condition.

Allele frequency attached by ClinVar (database versions not stated): gnomAD exomes 0.00004 and 0.00007; ExAC 0.00024; 1000 Genomes Project 30x 0.00031; gnomAD 0.00038; ESP Exome Variant Server 0.00041; TOPMed 0.00048; 1000 Genomes Project 0.00060.
gnomAD v4.1: 120 of 1,551,934 alleles (0.0077%); highest among the groups gnomAD compares: African/African-American, 0.14%; no homozygotes.

Submissions (4):

Women's Health and Genetics/Laboratory Corporation of America, LabCorp
Classification: Likely benign. Last evaluated: 2025-12-03. Review status: criteria provided, single submitter. Criteria: LabCorp Variant Classification Summary - May 2015. Collection method: clinical testing. Allele origin: germline.

PreventionGenetics, part of Exact Sciences
Classification: Likely benign for DSPP-related condition. Last evaluated: 2025-10-27. Review status: criteria provided, single submitter. Criteria: ACMG Guidelines, 2015. Collection method: clinical testing. Allele origin: germline.
Comment: This variant is classified as likely benign based on ACMG/AMP sequence variant interpretation guidelines (Richards et al. 2015 PMID: 25741868, with internal and published modifications).

Blueprint Genetics
Classification: Likely benign. Last evaluated: 2023-02-10. Review status: criteria provided, single submitter. Criteria: ACMG Guidelines, 2015. Collection method: clinical testing. Allele origin: germline.

Eurofins Ntd Llc (ga)
Classification: Uncertain significance. Last evaluated: 2015-07-23. Review status: criteria provided, single submitter. Criteria: EGL Classification Definitions 2015. Collection method: clinical testing. Allele origin: germline. Observed: 2 variant alleles, 2 heterozygotes.

NM_014208.3(DSPP):c.1791T>C (p.Asp597=)

Genes: DMP1-AS1 (DMP1 and DSPP antisense RNA 1; minus strand), DSPP (dentin sialophosphoprotein; plus strand). Cytogenetic location: 4q22.1.
Variant type: single nucleotide variant.
Coding change: c.1791T>C on transcript NM_014208.3 (MANE Select); coding-DNA position 1791, T replaced by C.
Protein change: p.Asp597=; no amino-acid change (aspartic acid 597 retained).
Molecular consequence: synonymous variant.
Genome position (GRCh38, 1-based): chr4:87,614,453, T>C. VCF-style: chr4-87614453-T-C. GRCh37 (hg19) VCF-style: chr4-88535605-T-C.
Other names: c.1791T>C, p.Asp597= (LRG_1242t1).
Identifiers: ClinVar variation 282146 (VCV000282146.8), dbSNP rs372743728, ClinGen allele CA3001156.